The following is an entry in ClinVar:

ClinVar aggregate classification (germline): Likely benign (1 of 4 stars; one submission).

Allele frequency attached by ClinVar (database versions not stated): ESP Exome Variant Server 0.00038; gnomAD exomes 0.00040; gnomAD 0.00054; 1000 Genomes Project 30x 0.00062; 1000 Genomes Project 0.00080; ExAC 0.00083.
gnomAD v4.1: 663 of 1,614,032 alleles (0.041%); highest among the groups gnomAD compares: South Asian, 0.33%; 6 homozygotes.

Submission:

CeGaT Center for Human Genetics Tuebingen
Classification: Likely benign. Last evaluated: 2022-07-01. Review status: criteria provided, single submitter. Criteria: CeGaT Center For Human Genetics Tuebingen Variant Classification Criteria Version 2. Collection method: clinical testing. Allele origin: germline. Affected: yes. Observed: 1 variant allele.
Comment: PCDHGA2: BP4, BP7

NM_018915.4(PCDHGA2):c.1737C>T (p.Pro579=)

Genes: PCDHG@ (protocadherin gamma cluster; plus strand), PCDHGA1 (protocadherin gamma subfamily A, 1; plus strand), PCDHGA2 (protocadherin gamma subfamily A, 2; plus strand). Cytogenetic location: 5q31.3.
Variant type: single nucleotide variant.
Coding change: c.1737C>T on transcript NM_018915.4 (MANE Select); coding-DNA position 1737, C replaced by T.
Protein change: p.Pro579=; no amino-acid change (proline 579 retained).
Molecular consequence: synonymous variant. On other transcripts: intron variant (1).
Genome position (GRCh38, 1-based): chr5:141,340,708, C>T. VCF-style: chr5-141340708-C-T. GRCh37 (hg19) VCF-style: chr5-140720275-C-T.
Other names: c.1737C>T, p.Pro579= (NM_032009.3); c.2421+7603C>T (NM_018912.3).
Identifiers: ClinVar variation 2655838 (VCV002655838.24), dbSNP rs200779662, ClinGen allele CA3467472.
Genomic context (GRCh38, chr5:141,340,708, plus strand): 5'-GCCCGAGATCCTGTACCCTGCCTTCCCCACAGACGGTTCCACTGGCGTGGAGCTGGCGCC[C>T]CGCTCCGCAGAGCCCGGCTACCTGGTGACCAAGGTGGTGGCGGTGGACAGAGACTCGGGC-3'
Protein context (NP_061738.1, residues 569-589): TDGSTGVELA[Pro579=]RSAEPGYLVT